The following is an entry in ClinVar:

ClinVar aggregate classification (germline): Uncertain significance (1 of 4 stars; one submission).

Conditions:
Congenital myasthenic syndrome 8. Also called: MYASTHENIC SYNDROME, CONGENITAL, DUE TO AGRIN DEFICIENCY; Myasthenic syndrome, congenital, 8, with pre- and postsynaptic defects. Identifiers: Orphanet 590, MedGen C3808739, MONDO:0014052, OMIM 615120.

Allele frequency attached by ClinVar (database versions not stated): gnomAD exomes below 0.00001.
gnomAD v4.1: 2 of 1,529,588 alleles (0.00013%); highest among the groups gnomAD compares: Non-Finnish European, 0.00017%; no homozygotes.

Submission:

Labcorp Genetics (formerly Invitae), Labcorp
Classification: Uncertain significance for Congenital myasthenic syndrome 8. Last evaluated: 2022-07-25. Review status: criteria provided, single submitter. Criteria: Invitae Variant Classification Sherloc (09022015). Collection method: clinical testing. Allele origin: germline.
Comment: In summary, the available evidence is currently insufficient to determine the role of this variant in disease. Therefore, it has been classified as a Variant of Uncertain Significance. Algorithms developed to predict the effect of missense changes on protein structure and function are either unavailable or do not agree on the potential impact of this missense change (SIFT: "Deleterious"; PolyPhen-2: "Benign"; Align-GVGD: "Class C0"). ClinVar contains an entry for this variant (Variation ID: 1040418). This variant has not been reported in the literature in individuals affected with AGRN-related conditions. This variant is not present in population databases (gnomAD no frequency). This sequence change replaces isoleucine, which is neutral and non-polar, with valine, which is neutral and non-polar, at codon 234 of the AGRN protein (p.Ile234Val).

NM_198576.4(AGRN):c.700A>G (p.Ile234Val)

Genes: AGRN (agrin; plus strand), LOC129929077 (ATAC-STARR-seq lymphoblastoid silent region 23; plus strand). Cytogenetic location: 1p36.33.
Variant type: single nucleotide variant.
Coding change: c.700A>G on transcript NM_198576.4 (MANE Select); coding-DNA position 700, A replaced by G.
Protein change: p.Ile234Val; replaces isoleucine 234 with valine.
Molecular consequence: missense variant.
Genome position (GRCh38, 1-based): chr1:1,040,853, A>G. VCF-style: chr1-1040853-A-G. GRCh37 (hg19) VCF-style: chr1-976233-A-G.
Other names: c.700A>G, p.Ile234Val (NM_001305275.2); c.385A>G, p.Ile129Val (NM_001364727.2); short protein forms I129V, I234V.
Identifiers: ClinVar variation 1040418 (VCV001040418.9), dbSNP rs1644910909, ClinGen allele CA337822989.